The following is an entry in ClinVar:

ClinVar aggregate classification (germline): Uncertain significance (1 of 4 stars; one submission).

Conditions:
Inborn genetic diseases. Identifiers: MedGen C0950123, MeSH D030342.

Allele frequency attached by ClinVar (database versions not stated): gnomAD exomes below 0.00001; ExAC 0.00001.
gnomAD v4.1: 1 of 1,611,668 alleles (0.000062%); no homozygotes.

Submission:

Ambry Genetics
Classification: Uncertain significance for Inborn genetic diseases. Last evaluated: 2023-12-07. Review status: criteria provided, single submitter. Criteria: Ambry Variant Classification Scheme 2023. Collection method: clinical testing. Allele origin: germline.
Comment: The p.I894V variant (also known as c.2680A>G), located in coding exon 18 of the PIK3CA gene, results from an A to G substitution at nucleotide position 2680. The isoleucine at codon 894 is replaced by valine, an amino acid with highly similar properties. This amino acid position is conserved. In addition, this alteration is predicted to be tolerated by in silico analysis. Since supporting evidence is limited at this time, the clinical significance of this alteration remains unclear.

NM_006218.4(PIK3CA):c.2680A>G (p.Ile894Val)

Gene: PIK3CA (phosphatidylinositol-4,5-bisphosphate 3-kinase catalytic subunit alpha; plus strand). Cytogenetic location: 3q26.32.
Variant type: single nucleotide variant.
Coding change: c.2680A>G on transcript NM_006218.4 (MANE Select); coding-DNA position 2680, A replaced by G.
Protein change: p.Ile894Val; replaces isoleucine 894 with valine.
Molecular consequence: missense variant.
Genome position (GRCh38, 1-based): chr3:179,230,017, A>G. VCF-style: chr3-179230017-A-G. GRCh37 (hg19) VCF-style: chr3-178947805-A-G.
Other names: short protein forms I894V.
Identifiers: ClinVar variation 3225358 (VCV003225358.1), dbSNP rs748411676, ClinGen allele CA2711007.